The following is an entry in ClinVar:

NM_001039348.3(EFEMP1):c.46A>C (p.Lys16Gln)

Gene: EFEMP1 (EGF-like fibulin extracellular matrix protein 1; minus strand). Cytogenetic location: 2p16.1.
Variant type: single nucleotide variant.
Coding change: c.46A>C on transcript NM_001039348.3 (MANE Select); coding-DNA position 46, A replaced by C.
Protein change: p.Lys16Gln; replaces lysine 16 with glutamine.
Molecular consequence: missense variant.
Genome position (GRCh38, 1-based): chr2:55,922,395, T>G on the plus strand (A>C on the coding strand, the complement: EFEMP1 is on the minus strand). VCF-style: chr2-55922395-T-G. GRCh37 (hg19) VCF-style: chr2-56149530-T-G.
Other names: c.46A>C, p.Lys16Gln (NM_001039349.3); short protein forms K16Q.
Identifiers: ClinVar variation 941326 (VCV000941326.11), dbSNP rs150463947, ClinGen allele CA1669039.

ClinVar aggregate classification (germline): Uncertain significance. Review status: criteria provided, multiple submitters, no conflicts (2 of 4 stars). 2 submissions from 2 submitters: Uncertain significance (2). Last evaluated 2025-10-12.

Conditions:
Inborn genetic diseases. Identifiers: MedGen C0950123, MeSH D030342.

Allele frequency attached by ClinVar (database versions not stated): gnomAD exomes 0.00001 and 0.00003; ExAC 0.00003; gnomAD 0.00007 and 0.00009; ESP Exome Variant Server 0.00008; TOPMed 0.00010.
gnomAD v4.1: 25 of 1,613,900 alleles (0.0015%); highest among the groups gnomAD compares: African/African-American, 0.029%; no homozygotes.

Submissions (2):

Labcorp Genetics (formerly Invitae), Labcorp
Classification: Uncertain significance. Last evaluated: 2025-10-12. Review status: criteria provided, single submitter. Criteria: Invitae Variant Classification Sherloc (09022015). Collection method: clinical testing. Allele origin: germline.
Comment: This sequence change replaces lysine, which is basic and polar, with glutamine, which is neutral and polar, at codon 16 of the EFEMP1 protein (p.Lys16Gln). This variant is present in population databases (rs150463947, gnomAD 0.03%). This variant has not been reported in the literature in individuals affected with EFEMP1-related conditions. ClinVar contains an entry for this variant (Variation ID: 941326). An algorithm developed to predict the effect of missense changes on protein structure and function (PolyPhen-2) suggests that this variant is likely to be tolerated. In summary, the available evidence is currently insufficient to determine the role of this variant in disease. Therefore, it has been classified as a Variant of Uncertain Significance.

Ambry Genetics
Classification: Uncertain significance for Inborn genetic diseases. Last evaluated: 2023-07-19. Review status: criteria provided, single submitter. Criteria: Ambry Variant Classification Scheme 2023. Collection method: clinical testing. Allele origin: germline.